The following is an entry in ClinVar:

NM_015272.5(RPGRIP1L):c.3713C>T (p.Thr1238Ile)

Gene: RPGRIP1L (RPGRIP1 like; minus strand). Cytogenetic location: 16q12.2.
Variant type: single nucleotide variant.
Coding change: c.3713C>T on transcript NM_015272.5 (MANE Select); coding-DNA position 3713, C replaced by T.
Protein change: p.Thr1238Ile; replaces threonine 1238 with isoleucine.
Molecular consequence: missense variant.
Genome position (GRCh38, 1-based): chr16:53,605,603, G>A on the plus strand (C>T on the coding strand, the complement: RPGRIP1L is on the minus strand). VCF-style: chr16-53605603-G-A. GRCh37 (hg19) VCF-style: chr16-53639515-G-A.
Other names: c.3473C>T, p.Thr1158Ile (NM_001127897.4); c.3575C>T, p.Thr1192Ile (NM_001308334.3); c.3611C>T, p.Thr1204Ile (NM_001330538.2); short protein forms T1158I, T1238I, T1204I, T1192I.
Identifiers: ClinVar variation 424489 (VCV000424489.2), dbSNP rs1064796997, ClinGen allele CA16620212.
Genomic context (GRCh38, chr16:53,605,603, plus strand): 5'-GCCACGCCAATGTCCTCACACTCCAGGTCCTGCTCGTCCTCTGGAGGGTCACTGACCACG[G>A]TGAAGCGAAGGCTGGTAAGGCAGAGATCAGAGAAAGTCACCACCAAGTGAGAAGAAATCA-3'
Protein context (NP_056087.2, residues 1228-1248): QEMPNRSLRF[Thr1238Ile]VVSDPPEDEQ

ClinVar aggregate classification (germline): Uncertain significance (1 of 4 stars; one submission).

Allele frequency attached by ClinVar (database versions not stated): TOPMed below 0.00001 and 0.00001.
gnomAD v4.1: 1 of 1,614,084 alleles (0.000062%); highest among the groups gnomAD compares: Non-Finnish European, 0.000085%; no homozygotes.

Submission:

GeneDx
Classification: Uncertain significance. Last evaluated: 2017-04-03. Review status: criteria provided, single submitter. Criteria: GeneDx Variant Classification (06012015). Collection method: clinical testing. Allele origin: germline. Affected: yes.
Comment: The T1238I variant in the RPGRIP1L gene has not been reported previously as a pathogenic variant, nor as a benign variant, to our knowledge. The T1238I variant is not observed in large population cohorts (Lek et al., 2016; 1000 Genomes Consortium et al., 2015; Exome Variant Server). The T1238I variant is a non-conservative amino acid substitution, which is likely to impact secondary protein structure as these residues differ in polarity, charge, size and/or other properties. In addition, this substitution occurs at a position that is conserved across species, and in silico analysis predicts this variant is probably damaging to the protein structure/function. We interpret T1238I as a variant of uncertain significance.